The following is an entry in ClinVar:

NM_176869.3(PPA2):c.368A>G (p.Asp123Gly)

Gene: PPA2 (inorganic pyrophosphatase 2; minus strand). Cytogenetic location: 4q24.
Variant type: single nucleotide variant.
Coding change: c.368A>G on transcript NM_176869.3 (MANE Select); coding-DNA position 368, A replaced by G.
Protein change: p.Asp123Gly; replaces aspartic acid 123 with glycine.
Molecular consequence: missense variant. On other transcripts: intron variant (2).
Genome position (GRCh38, 1-based): chr4:105,446,456, T>C on the plus strand (A>G on the coding strand, the complement: PPA2 is on the minus strand). VCF-style: chr4-105446456-T-C. GRCh37 (hg19) VCF-style: chr4-106367613-T-C.
Other names: c.368A>G, p.Asp123Gly (NM_006903.4); c.157+27438A>G (NM_176867.3); c.222+10225A>G (NM_176866.2); short protein forms D123G.
Identifiers: ClinVar variation 2189578 (VCV002189578.1), dbSNP rs376835547, ClinGen allele CA3032571.
Genomic context (GRCh38, chr4:105,446,456, plus strand): 5'-CCATAATTCCATATATAACCCTTGTAAGGGAAGATATTCGCCACATAGCGTAGCTTTCCA[T>C]CCTTTACATATTGTTTAATGGGATTCATTGGCTCCTTGGTGGCAATCTAAGCAAATCACA-3'
Protein context (NP_789845.1, residues 113-133): PMNPIKQYVK[Asp123Gly]GKLRYVANIF

ClinVar aggregate classification (germline): Uncertain significance (1 of 4 stars; one submission).

Allele frequency attached by ClinVar (database versions not stated): gnomAD exomes 0.00001; TOPMed 0.00002; ExAC 0.00003; ESP Exome Variant Server 0.00008.
gnomAD v4.1: 15 of 1,606,856 alleles (0.00093%); highest among the groups gnomAD compares: Middle Eastern, 0.033%; no homozygotes.

Submission:

Labcorp Genetics (formerly Invitae), Labcorp
Classification: Uncertain significance. Last evaluated: 2022-04-12. Review status: criteria provided, single submitter. Criteria: Invitae Variant Classification Sherloc (09022015). Collection method: clinical testing. Allele origin: germline.
Comment: This sequence change replaces aspartic acid, which is acidic and polar, with glycine, which is neutral and non-polar, at codon 123 of the PPA2 protein (p.Asp123Gly). This variant is present in population databases (rs376835547, gnomAD 0.009%). This variant has not been reported in the literature in individuals affected with PPA2-related conditions. Algorithms developed to predict the effect of missense changes on protein structure and function output the following: SIFT: "Tolerated"; PolyPhen-2: "Benign"; Align-GVGD: "Class C0". The glycine amino acid residue is found in multiple mammalian species, which suggests that this missense change does not adversely affect protein function. In summary, the available evidence is currently insufficient to determine the role of this variant in disease. Therefore, it has been classified as a Variant of Uncertain Significance.